The following is an entry in ClinVar:

ClinVar aggregate classification (germline): Likely pathogenic (1 of 4 stars; one submission).

Allele frequency attached by ClinVar (database versions not stated): gnomAD exomes below 0.00001.
gnomAD v4.1: 1 of 1,608,700 alleles (0.000062%); highest among the groups gnomAD compares: Non-Finnish European, 0.000085%; no homozygotes.

Submission:

GeneDx
Classification: Likely pathogenic. Last evaluated: 2015-09-04. Review status: criteria provided, single submitter. Criteria: GeneDx Variant Classification (06012015). Collection method: clinical testing. Allele origin: germline. Affected: yes.
Comment: p.Gly521Val (GGC>GTC): c.1562 G>T in exon 9 of the LMNA gene (NM_170707.2). The G521V variant in the LMNA gene has not been reported previously as a disease-causing mutation or as a benign polymorphism, to our knowledge. The NHLBI ESP Exome Variant Server reports G521V was not observed in approximately 6,500 samples from individuals of European and African American backgrounds, indicating it is not a common benign variant in these populations. G521V is a conservative amino acid substitution as these residues share similar properties, and are least likely to impact secondary structure. However, the G521 residue is highly conserved across species, and in silico analysis predicts G521V is damaging to the protein structure/function. Additionally, mutations in nearby residues (W520G, W520S, G523R) have been reported in association with cardiomyopathy or laminopathy, further supporting the functional importance of this region of the protein. Therefore, G521V is a good candidate for a disease-causing mutation. The variant is found in LMNA panel(s).

NM_170707.4(LMNA):c.1562G>T (p.Gly521Val)

Gene: LMNA (lamin A/C; plus strand). Cytogenetic location: 1q22.
Variant type: single nucleotide variant.
Coding change: c.1562G>T on transcript NM_170707.4 (MANE Select); coding-DNA position 1562, G replaced by T.
Protein change: p.Gly521Val; replaces glycine 521 with valine.
Molecular consequence: missense variant.
Genome position (GRCh38, 1-based): chr1:156,137,186, G>T. VCF-style: chr1-156137186-G-T. GRCh37 (hg19) VCF-style: chr1-156106977-G-T.
Other names: p.G521V:GGC>GTC; c.1226G>T, p.Gly409Val (NM_001257374.3); c.1319G>T, p.Gly440Val (NM_001282624.2); c.1562G>T, p.Gly521Val (NM_001282625.2, NM_001282626.2, NM_005572.4 and 1 more transcripts); short protein forms G521V, G409V, G440V.
Identifiers: ClinVar variation 200945 (VCV000200945.2), dbSNP rs794728596, ClinGen allele CA017452.